The following is an entry in ClinVar:

NM_002691.4(POLD1):c.841-15C>T

Gene: POLD1 (DNA polymerase delta 1, catalytic subunit; plus strand). Cytogenetic location: 19q13.33.
Variant type: single nucleotide variant.
Coding change: c.841-15C>T on transcript NM_002691.4 (MANE Select); 15 bases into the intron before coding-DNA position 841, C replaced by T.
Molecular consequence: intron variant.
Genome position (GRCh38, 1-based): chr19:50,402,597, C>T. VCF-style: chr19-50402597-C-T. GRCh37 (hg19) VCF-style: chr19-50905854-C-T.
Other names: c.841-15C>T (NM_001256849.1, NM_001308632.1).
Identifiers: ClinVar variation 1566337 (VCV001566337.9), dbSNP rs752218714, ClinGen allele CA9595930.

ClinVar aggregate classification (germline): Likely benign. Review status: criteria provided, multiple submitters, no conflicts (2 of 4 stars). 2 submissions from 2 submitters: Likely benign (2). Last evaluated 2025-02-04.

Conditions:
POLD1-related polyposis and colorectal cancer syndrome (CRCS10). Also called: Colorectal cancer 10; COLORECTAL CANCER, SUSCEPTIBILITY TO, ON CHROMOSOME 19q; Colorectal cancer, susceptibility to, 10. Identifiers: Orphanet 220460, MedGen C2675481, MONDO:0012953, OMIM 612591.

Allele frequency attached by ClinVar (database versions not stated): gnomAD exomes below 0.00001 and 0.00001; ExAC 0.00003.

Submissions (2):

Myriad Genetics, Inc.
Classification: Likely benign for POLD1-related polyposis and colorectal cancer syndrome. Last evaluated: 2025-02-04. Review status: criteria provided, single submitter. Criteria: Myriad Autosomal Dominant, Autosomal Recessive and X-Linked Classification Criteria (2023). Collection method: clinical testing. Allele origin: unknown.
Comment: This variant is considered likely benign. This variant is intronic and is not expected to impact mRNA splicing.

Labcorp Genetics (formerly Invitae), Labcorp
Classification: Likely benign for POLD1-related polyposis and colorectal cancer syndrome. Last evaluated: 2021-07-01. Review status: criteria provided, single submitter. Criteria: Invitae Variant Classification Sherloc (09022015). Collection method: clinical testing. Allele origin: germline.